The following is an entry in ClinVar:

NM_000548.5(TSC2):c.3223_3229dup (p.Thr1077fs)

Gene: TSC2 (TSC complex subunit 2; plus strand). Cytogenetic location: 16p13.3.
Variant type: Duplication.
Coding change: c.3223_3229dup on transcript NM_000548.5 (MANE Select); coding-DNA positions 3223 to 3229, 7 bases duplicated (ACCGGGA; older notation c.3223_3229dupACCGGGA).
Protein change: p.Thr1077fs; shifts the reading frame from threonine 1077.
Molecular consequence: frameshift variant.
Genome position (GRCh38, 1-based): chr16:2,079,367-2,079,373, ACCGGGA duplicated; duplicating any 7 consecutive bases within chr16:2,079,363-2,079,373 gives the same sequence; the c. name uses the placement nearest the transcript's 3' end. VCF-style (leftmost placement, unchanged base first): chr16-2079362-T-TGGGAACC. GRCh37 (hg19) VCF-style: chr16-2129363-T-TGGGAACC.
Other names: c.3091_3097dup, p.Thr1033fs (NM_001077183.3, NM_001370404.1); c.3223_3229dup, p.Thr1077fs (NM_001114382.3); c.2983_2989dup, p.Thr997fs (NM_001318827.2); c.2947_2953dup, p.Thr985fs (NM_001318829.2); c.2491_2497dup, p.Thr833fs (NM_001318831.2); c.3124_3130dup, p.Thr1044fs (NM_001318832.2); c.3094_3100dup, p.Thr1034fs (NM_001363528.2, NM_001370405.1, NM_021055.3); short protein forms T1034fs, T1033fs, T1044fs, T1077fs, T985fs, T833fs, T997fs.
Identifiers: ClinVar variation 65159 (VCV000065159.7), dbSNP rs397515115, ClinGen allele CA018724.

ClinVar aggregate classification (germline): Pathogenic. Review status: criteria provided, multiple submitters, no conflicts (2 of 4 stars). 3 submissions from 3 submitters: Pathogenic (2). 1 of the submissions does not count toward it. Last evaluated 2022-03-26.

Conditions:
Tuberous sclerosis syndrome (TSC). Also called: Tuberous Sclerosis Complex; Tuberous sclerosis. Identifiers: Orphanet 805, MedGen C0041341, MONDO:0001734.
Tuberous sclerosis 2 (TSC2). Identifiers: Orphanet 805, MedGen C1860707, MONDO:0013199, OMIM 613254.

Submissions (3):

Labcorp Genetics (formerly Invitae), Labcorp
Classification: Pathogenic for Tuberous sclerosis 2. Last evaluated: 2022-03-26. Review status: criteria provided, single submitter. Criteria: Invitae Variant Classification Sherloc (09022015). Collection method: clinical testing. Allele origin: germline.
Comment: This sequence change creates a premature translational stop signal (p.Thr1077Asnfs*93) in the TSC2 gene. It is expected to result in an absent or disrupted protein product. Loss-of-function variants in TSC2 are known to be pathogenic (PMID: 10205261, 17304050). This variant is not present in population databases (gnomAD no frequency). This variant has not been reported in the literature in individuals affected with TSC2-related conditions. ClinVar contains an entry for this variant (Variation ID: 65159). For these reasons, this variant has been classified as Pathogenic.

Division of Genomic Medicine, Department of Advanced Medicine, Medical Research Institute, Kanazawa Medical University
Classification: Pathogenic for Tuberous sclerosis 2. Last evaluated: 2020-07-10. Review status: criteria provided, single submitter. Criteria: ACMG Guidelines, 2015. Collection method: clinical testing. Allele origin: germline. Affected: yes. Observed: 1 variant allele.

Tuberous sclerosis database (TSC2)
No classification provided. Condition: TSC. Review status: no classification provided. Criteria: Tuberous Sclerosis Database Assertion Criteria 2015. Collection method: curation. Allele origin: germline. Affected: yes. Not counted in ClinVar's aggregate classification.

Literature cited by the submitters: PubMed 10205261 (cited by Labcorp Genetics (formerly Invitae), Labcorp); PubMed 17304050 (cited by Labcorp Genetics (formerly Invitae), Labcorp).